The following is an entry in ClinVar:

NM_021961.6(TEAD1):c.998T>C (p.Val333Ala)

Gene: TEAD1 (TEA domain transcription factor 1; plus strand). Cytogenetic location: 11p15.3.
Variant type: single nucleotide variant.
Coding change: c.998T>C on transcript NM_021961.6 (MANE Select); coding-DNA position 998, T replaced by C.
Protein change: p.Val333Ala; replaces valine 333 with alanine.
Molecular consequence: missense variant.
Genome position (GRCh38, 1-based): chr11:12,925,036, T>C. VCF-style: chr11-12925036-T-C. GRCh37 (hg19) VCF-style: chr11-12946583-T-C.
Other names: short protein forms V333A.
Identifiers: ClinVar variation 1013899 (VCV001013899.11), dbSNP rs1948882131, ClinGen allele CA379708635.
Genomic context (GRCh38, chr11:12,925,036, plus strand): 5'-AGAGTTCTGAAAATATGACAGTCACCTGTTCCACCAAAGTTTGCTCCTTTGGGAAGCAAG[T>C]AGTAGAAAAAGTAGAGGTAAGTTGGCCTCTGTATACTGGAAACTTCATTCAAGGGCAGAC-3'
Protein context (NP_068780.2, residues 323-343): STKVCSFGKQ[Val333Ala]VEKVETEYAR

ClinVar aggregate classification (germline): Uncertain significance. Review status: criteria provided, multiple submitters, no conflicts (2 of 4 stars). 2 submissions from 2 submitters: Uncertain significance (2). Last evaluated 2025-05-11.

Submissions (2):

Labcorp Genetics (formerly Invitae), Labcorp
Classification: Uncertain significance. Last evaluated: 2025-05-11. Review status: criteria provided, single submitter. Criteria: Invitae Variant Classification Sherloc (09022015). Collection method: clinical testing. Allele origin: germline.
Comment: This sequence change replaces valine, which is neutral and non-polar, with alanine, which is neutral and non-polar, at codon 333 of the TEAD1 protein (p.Val333Ala). This variant is not present in population databases (gnomAD no frequency). This variant has not been reported in the literature in individuals affected with TEAD1-related conditions. ClinVar contains an entry for this variant (Variation ID: 1013899). Invitae Evidence Modeling of protein sequence and biophysical properties (such as structural, functional, and spatial information, amino acid conservation, physicochemical variation, residue mobility, and thermodynamic stability) indicates that this missense variant is not expected to disrupt TEAD1 protein function with a negative predictive value of 80%. In summary, the available evidence is currently insufficient to determine the role of this variant in disease. Therefore, it has been classified as a Variant of Uncertain Significance.

Blueprint Genetics
Classification: Uncertain significance. Last evaluated: 2019-06-29. Review status: criteria provided, single submitter. Criteria: ACMG Guidelines, 2015. Collection method: clinical testing. Allele origin: germline.